The following is an entry in ClinVar:

ClinVar aggregate classification (germline): Uncertain significance. Review status: criteria provided, multiple submitters, no conflicts (2 of 4 stars). 5 submissions from 5 submitters: Uncertain significance (4). 1 of the submissions does not count toward it. Last evaluated 2025-09-08.

Conditions:
Inborn genetic diseases. Identifiers: MedGen C0950123, MeSH D030342.
Glycine encephalopathy. Also called: Nonketotic hyperglycinemia; Non-ketotic hyperglycinemia. Identifiers: Orphanet 407, MedGen C0751748, MONDO:0011612, HP:0008288.

Allele frequency attached by ClinVar (database versions not stated): TOPMed 0.00004; ESP Exome Variant Server 0.00008.
gnomAD v4.1: 38 of 1,612,152 alleles (0.0024%); highest among the groups gnomAD compares: Non-Finnish European, 0.0032%; no homozygotes.

Submissions (5):

Labcorp Genetics (formerly Invitae), Labcorp
Classification: Uncertain significance for Glycine encephalopathy. Last evaluated: 2025-09-08. Review status: criteria provided, single submitter. Criteria: Invitae Variant Classification Sherloc (09022015). Collection method: clinical testing. Allele origin: germline.
Comment: This sequence change replaces leucine, which is neutral and non-polar, with methionine, which is neutral and non-polar, at codon 865 of the GLDC protein (p.Leu865Met). This variant is present in population databases (rs375375700, gnomAD 0.004%). This variant has not been reported in the literature in individuals affected with GLDC-related conditions. ClinVar contains an entry for this variant (Variation ID: 662742). Invitae Evidence Modeling of protein sequence and biophysical properties (such as structural, functional, and spatial information, amino acid conservation, physicochemical variation, residue mobility, and thermodynamic stability) indicates that this missense variant is not expected to disrupt GLDC protein function with a negative predictive value of 80%. In summary, the available evidence is currently insufficient to determine the role of this variant in disease. Therefore, it has been classified as a Variant of Uncertain Significance.

Ambry Genetics
Classification: Uncertain significance for Inborn genetic diseases. Last evaluated: 2025-03-25. Review status: criteria provided, single submitter. Criteria: Ambry Variant Classification Scheme 2023. Collection method: clinical testing. Allele origin: germline.

Blueprint Genetics
Classification: Uncertain significance. Last evaluated: 2023-06-30. Review status: criteria provided, single submitter. Criteria: ACMG Guidelines, 2015. Collection method: clinical testing. Allele origin: germline.

GeneDx
Classification: Uncertain significance. Last evaluated: 2019-11-26. Review status: criteria provided, single submitter. Criteria: GeneDx Variant Classification Process June 2021. Collection method: clinical testing. Allele origin: germline. Affected: yes.
Comment: Not observed at a significant frequency in large population cohorts (Lek et al., 2016); In silico analysis, which includes protein predictors and evolutionary conservation, supports that this variant does not alter protein structure/function; Has not been previously published as pathogenic or benign to our knowledge

Natera, Inc.
Classification: Uncertain significance for Non-ketotic hyperglycinemia. Last evaluated: 2021-05-21. Review status: no assertion criteria provided. Collection method: clinical testing. Allele origin: germline. Not counted in ClinVar's aggregate classification.

NM_000170.3(GLDC):c.2593T>A (p.Leu865Met)

Gene: GLDC (glycine decarboxylase; minus strand). Cytogenetic location: 9p24.1.
Variant type: single nucleotide variant.
Coding change: c.2593T>A on transcript NM_000170.3 (MANE Select); coding-DNA position 2593, T replaced by A.
Protein change: p.Leu865Met; replaces leucine 865 with methionine.
Molecular consequence: missense variant.
Genome position (GRCh38, 1-based): chr9:6,540,123, A>T on the plus strand (T>A on the coding strand, the complement: GLDC is on the minus strand). VCF-style: chr9-6540123-A-T. GRCh37 (hg19) VCF-style: chr9-6540123-A-T.
Other names: short protein forms L865M.
Identifiers: ClinVar variation 662742 (VCV000662742.13), dbSNP rs375375700, ClinGen allele CA4980143.